The following is an entry in ClinVar:

ClinVar aggregate classification (germline): Uncertain significance (1 of 4 stars; one submission).

Allele frequency attached by ClinVar (database versions not stated): gnomAD exomes below 0.00001.
gnomAD v4.1: 1 of 1,614,000 alleles (0.000062%); highest among the groups gnomAD compares: Admixed American, 0.0017%; no homozygotes.

Submission:

Labcorp Genetics (formerly Invitae), Labcorp
Classification: Uncertain significance. Last evaluated: 2024-07-27. Review status: criteria provided, single submitter. Criteria: Invitae Variant Classification Sherloc (09022015). Collection method: clinical testing. Allele origin: germline.
Comment: This sequence change replaces alanine, which is neutral and non-polar, with valine, which is neutral and non-polar, at codon 541 of the EMC1 protein (p.Ala541Val). This variant is not present in population databases (gnomAD no frequency). This variant has not been reported in the literature in individuals affected with EMC1-related conditions. ClinVar contains an entry for this variant (Variation ID: 1479419). Advanced modeling of protein sequence and biophysical properties (such as structural, functional, and spatial information, amino acid conservation, physicochemical variation, residue mobility, and thermodynamic stability) performed at Invitae indicates that this missense variant is expected to disrupt EMC1 protein function with a positive predictive value of 80%. In summary, the available evidence is currently insufficient to determine the role of this variant in disease. Therefore, it has been classified as a Variant of Uncertain Significance.

NM_015047.3(EMC1):c.1622C>T (p.Ala541Val)

Genes: EMC1 (ER membrane protein complex subunit 1; minus strand), EMC1-AS1 (EMC1 antisense RNA 1; plus strand). Cytogenetic location: 1p36.13.
Variant type: single nucleotide variant.
Coding change: c.1622C>T on transcript NM_015047.3 (MANE Select); coding-DNA position 1622, C replaced by T.
Protein change: p.Ala541Val; replaces alanine 541 with valine.
Molecular consequence: missense variant.
Genome position (GRCh38, 1-based): chr1:19,232,946, G>A on the plus strand (C>T on the coding strand, the complement: EMC1 is on the minus strand). VCF-style: chr1-19232946-G-A. GRCh37 (hg19) VCF-style: chr1-19559440-G-A.
Other names: c.1619C>T, p.Ala540Val (NM_001271427.2, NM_001271428.2); c.1556C>T, p.Ala519Val (NM_001271429.2); c.1631C>T, p.Ala544Val (NM_001375820.1); c.1628C>T, p.Ala543Val (NM_001375821.1); short protein forms A541V, A543V, A540V, A519V, A544V.
Identifiers: ClinVar variation 1479419 (VCV001479419.6), dbSNP rs2093535088, ClinGen allele CA338762148.